The following is an entry in ClinVar:

ClinVar aggregate classification (germline): Conflicting classifications of pathogenicity. Review status: criteria provided, conflicting classifications (1 of 4 stars). 6 submissions from 6 submitters: Uncertain significance (5); Likely benign (1). Last evaluated 2025-11-18.

Conditions:
Charcot-Marie-Tooth disease axonal type 2S. Also called: CHARCOT-MARIE-TOOTH NEUROPATHY, TYPE 2S; CHARCOT-MARIE-TOOTH DISEASE, AXONAL, AUTOSOMAL RECESSIVE, TYPE 2S. Identifiers: Orphanet 443073, MedGen C4015349, MONDO:0014511, OMIM 616155.
Autosomal recessive distal spinal muscular atrophy 1. Also called: HMN VI; NEURONOPATHY, SEVERE INFANTILE AXONAL, WITH RESPIRATORY FAILURE; SEVERE INFANTILE AXONAL NEUROPATHY WITH RESPIRATORY FAILURE; SPINAL MUSCULAR ATROPHY, DIAPHRAGMATIC; Spinal muscular atrophy with respiratory distress 1; NEURONOPATHY, DISTAL HEREDITARY MOTOR, HARDING TYPE VI. Identifiers: Orphanet 98920, MedGen C1858517, MONDO:0011436, OMIM 604320.
Inborn genetic diseases. Identifiers: MedGen C0950123, MeSH D030342.

Allele frequency attached by ClinVar (database versions not stated): gnomAD 0.00006 and 0.00007; TOPMed 0.00006; gnomAD exomes 0.00007; 1000 Genomes Project 0.00020; 1000 Genomes Project 30x 0.00031.
gnomAD v4.1: 112 of 1,611,770 alleles (0.0069%); highest among the groups gnomAD compares: Middle Eastern, 0.017%; no homozygotes.

Submissions (6):

Labcorp Genetics (formerly Invitae), Labcorp
Classification: Likely benign for Autosomal recessive distal spinal muscular atrophy 1; Charcot-Marie-Tooth disease axonal type 2S. Last evaluated: 2025-11-18. Review status: criteria provided, single submitter. Criteria: Invitae Variant Classification Sherloc (09022015). Collection method: clinical testing. Allele origin: germline.

Mayo Clinic Laboratories, Mayo Clinic
Classification: Uncertain significance. Last evaluated: 2025-02-07. Review status: criteria provided, single submitter. Criteria: ACMG Guidelines, 2015. Collection method: clinical testing. Allele origin: germline. Observed: 2 variant alleles.
Comment: BP4

Ambry Genetics
Classification: Uncertain significance for Inborn genetic diseases. Last evaluated: 2020-05-18. Review status: criteria provided, single submitter. Criteria: Ambry Variant Classification Scheme 2023. Collection method: clinical testing. Allele origin: germline.
Comment: The p.P697L variant (also known as c.2090C>T), located in coding exon 13 of the IGHMBP2 gene, results from a C to T substitution at nucleotide position 2090. The proline at codon 697 is replaced by leucine, an amino acid with similar properties. This amino acid position is not well conserved in available vertebrate species. In addition, this alteration is predicted to be tolerated by in silico analysis. Since supporting evidence is limited at this time, the clinical significance of this alteration remains unclear.

Revvity Omics, Revvity
Classification: Uncertain significance. Last evaluated: 2019-08-08. Review status: criteria provided, single submitter. Criteria: ACMG Guidelines, 2015. Collection method: clinical testing. Allele origin: germline.

Eurofins Ntd Llc (ga)
Classification: Uncertain significance. Last evaluated: 2017-04-19. Review status: criteria provided, single submitter. Criteria: EGL Classification Definitions 2015. Collection method: clinical testing. Allele origin: germline. Observed: 1 variant allele, 1 heterozygote.

GeneDx
Classification: Uncertain significance. Last evaluated: 2015-12-16. Review status: criteria provided, single submitter. Criteria: GeneDx Variant Classification (06012015). Collection method: clinical testing. Allele origin: germline. Affected: yes.
Comment: The P697L variant has not been published as a pathogenic variant, nor has it been reported as a benign variant to our knowledge. It was not observed in approximately 6,500 individuals of European and African American ancestry in the NHLBI Exome Sequencing Project, and it was not observed with any significant frequency in the 1000 Genomes Project, indicating it is not a common benign variant in these populations. The P697L variant is a semi-conservative amino acid substitution, which may impact secondary protein structure as these residues differ in some properties. However, this substitution occurs at a position that is not conserved, and in silico analysis predicts this variant likely does not alter the protein structure/function. Therefore, based on the currently available information, it is unclear whether this variant is a pathogenic variant or a rare benign variant.

NM_002180.3(IGHMBP2):c.2090C>T (p.Pro697Leu)

Gene: IGHMBP2 (immunoglobulin mu DNA binding protein 2; plus strand). Cytogenetic location: 11q13.3.
Variant type: single nucleotide variant.
Coding change: c.2090C>T on transcript NM_002180.3 (MANE Select); coding-DNA position 2090, C replaced by T.
Protein change: p.Pro697Leu; replaces proline 697 with leucine.
Molecular consequence: missense variant.
Genome position (GRCh38, 1-based): chr11:68,936,570, C>T. VCF-style: chr11-68936570-C-T. GRCh37 (hg19) VCF-style: chr11-68704038-C-T.
Other names: p.Pro697Leu; short protein forms P697L.
Identifiers: ClinVar variation 246190 (VCV000246190.23), dbSNP rs77807333, ClinGen allele CA6153835.